The following is an entry in ClinVar:

ClinVar aggregate classification (germline): Uncertain significance (1 of 4 stars; one submission).

Allele frequency attached by ClinVar (database versions not stated): gnomAD exomes below 0.00001; TOPMed below 0.00001.
gnomAD v4.1: 1 of 1,613,924 alleles (0.000062%); highest among the groups gnomAD compares: Non-Finnish European, 0.000085%; no homozygotes.

Submission:

Labcorp Genetics (formerly Invitae), Labcorp
Classification: Uncertain significance. Last evaluated: 2022-09-29. Review status: criteria provided, single submitter. Criteria: Invitae Variant Classification Sherloc (09022015). Collection method: clinical testing. Allele origin: germline.
Comment: In summary, the available evidence is currently insufficient to determine the role of this variant in disease. Therefore, it has been classified as a Variant of Uncertain Significance. Algorithms developed to predict the effect of missense changes on protein structure and function are either unavailable or do not agree on the potential impact of this missense change (SIFT: "Deleterious"; PolyPhen-2: "Possibly Damaging"; Align-GVGD: "Class C15"). ClinVar contains an entry for this variant (Variation ID: 1420965). This variant has not been reported in the literature in individuals affected with RP1-related conditions. This variant is not present in population databases (gnomAD no frequency). This sequence change replaces leucine, which is neutral and non-polar, with phenylalanine, which is neutral and non-polar, at codon 540 of the RP1 protein (p.Leu540Phe).

NM_006269.2(RP1):c.1618C>T (p.Leu540Phe)

Gene: RP1 (RP1 axonemal microtubule associated; plus strand). Cytogenetic location: 8q12.1.
Variant type: single nucleotide variant.
Coding change: c.1618C>T on transcript NM_006269.2 (MANE Select); coding-DNA position 1618, C replaced by T.
Protein change: p.Leu540Phe; replaces leucine 540 with phenylalanine.
Molecular consequence: missense variant. On other transcripts: intron variant (1).
Genome position (GRCh38, 1-based): chr8:54,625,500, C>T. VCF-style: chr8-54625500-C-T. GRCh37 (hg19) VCF-style: chr8-55538060-C-T.
Other names: c.787+3212C>T (NM_001375654.1); short protein forms L540F.
Identifiers: ClinVar variation 1420965 (VCV001420965.6), dbSNP rs1806012719, ClinGen allele CA370991006.